The following is an entry in ClinVar:

NM_006031.6(PCNT):c.481G>A (p.Val161Ile)

Gene: PCNT (pericentrin; plus strand). Cytogenetic location: 21q22.3.
Variant type: single nucleotide variant.
Coding change: c.481G>A on transcript NM_006031.6 (MANE Select); coding-DNA position 481, G replaced by A.
Protein change: p.Val161Ile; replaces valine 161 with isoleucine.
Molecular consequence: missense variant.
Genome position (GRCh38, 1-based): chr21:46,334,610, G>A. VCF-style: chr21-46334610-G-A. GRCh37 (hg19) VCF-style: chr21-47754524-G-A.
Other names: c.127G>A, p.Val43Ile (NM_001315529.2); short protein forms V161I, V43I.
Identifiers: ClinVar variation 896697 (VCV000896697.7), dbSNP rs555841008, ClinGen allele CA322000944.
Genomic context (GRCh38, chr21:46,334,610, plus strand): 5'-GAACAGCGTGGGATGTTCACAGTCAGTGACCACCCACCAGAACAGCATGGGATGTTCACA[G>A]TCAGTGACCACCCACCAGAACAGCGTGGGATGTTCACAATCAGTGACCACCAACCGGAAC-3'
Protein context (NP_006022.3, residues 151-171): HPPEQHGMFT[Val161Ile]SDHPPEQRGM

ClinVar aggregate classification (germline): Uncertain significance. Review status: criteria provided, multiple submitters, no conflicts (2 of 4 stars). 4 submissions from 4 submitters: Uncertain significance (3). 1 of the submissions does not count toward it. Last evaluated 2025-09-05.

Conditions:
Microcephalic osteodysplastic primordial dwarfism type II (MOPD2). Also called: Microcephalic osteodysplastic primordial dwarfism with tooth abnormalities; MOPD II; OSTEODYSPLASTIC PRIMORDIAL DWARFISM, TYPE II. Identifiers: Orphanet 2637, MedGen C0432246, MONDO:0008872, OMIM 210720.
PCNT-related disorder. Also called: PCNT-related condition.

Allele frequency attached by ClinVar (database versions not stated): gnomAD exomes below 0.00001; gnomAD 0.00003; 1000 Genomes Project 0.00020.

Submissions (4):

Women's Health and Genetics/Laboratory Corporation of America, LabCorp
Classification: Uncertain significance. Last evaluated: 2025-09-05. Review status: criteria provided, single submitter. Criteria: LabCorp Variant Classification Summary - May 2015. Collection method: clinical testing. Allele origin: germline.
Comment: Variant summary: PCNT c.481G>A (p.Val161Ile) results in a conservative amino acid change in the encoded protein sequence. Algorithms developed to predict the effect of missense changes on protein structure and function all suggest that this variant is likely to be tolerated. The variant allele was found at a frequency of 4e-06 in 249540 control chromosomes. The available data on variant occurrences in the general population are insufficient to allow any conclusion about variant significance. To our knowledge, no occurrence of c.481G>A in individuals affected with PCNT-related conditions and no experimental evidence demonstrating its impact on protein function have been reported. ClinVar contains an entry for this variant (Variation ID: 896697). Based on the evidence outlined above, the variant was classified as uncertain significance.

Illumina Laboratory Services, Illumina
Classification: Uncertain significance for Microcephalic osteodysplastic primordial dwarfism type II. Last evaluated: 2018-01-13. Review status: criteria provided, single submitter. Criteria: ICSL Variant Classification Criteria 13 December 2019. Collection method: clinical testing. Allele origin: germline.

Breakthrough Genomics
Classification: Uncertain significance. Review status: criteria provided, single submitter. Criteria: ACMG Guidelines, 2015. Collection method: not provided. Allele origin: germline. Inheritance: Autosomal dominant inheritance. Affected: yes.

PreventionGenetics, part of Exact Sciences
Classification: Uncertain significance for PCNT-related condition. Last evaluated: 2024-06-16. Review status: no assertion criteria provided. Collection method: clinical testing. Allele origin: germline. Not counted in ClinVar's aggregate classification.
Comment: The PCNT c.481G>A variant is predicted to result in the amino acid substitution p.Val161Ile. To our knowledge, this variant has not been reported in the literature. Of note, in at least one other species an isoleucine (Ile) is present at the Val161 residue. This variant is reported in 0.0024% of alleles in individuals of European (Non-Finnish) descent in gnomAD. At this time, the clinical significance of this variant is uncertain due to the absence of conclusive functional and genetic evidence.